The following is an entry in ClinVar:

NM_005121.3(MED13):c.6393-8C>G

Gene: MED13 (mediator complex subunit 13; minus strand). Cytogenetic location: 17q23.2.
Variant type: single nucleotide variant.
Coding change: c.6393-8C>G on transcript NM_005121.3 (MANE Select); 8 bases into the intron before coding-DNA position 6393, C replaced by G.
Molecular consequence: intron variant.
Genome position (GRCh38, 1-based): chr17:61,946,608, G>C on the plus strand (C>G on the coding strand, the complement: MED13 is on the minus strand). VCF-style: chr17-61946608-G-C. GRCh37 (hg19) VCF-style: chr17-60023969-G-C.
Identifiers: ClinVar variation 779026 (VCV000779026.25), dbSNP rs146397095, ClinGen allele CA8691912.
Genomic context (GRCh38, chr17:61,946,608, plus strand): 5'-TTGCAGGGTCACAGGTTAGCCAGGAGAGTGCATTGTACTGTTCCAAAACAAACCTGAAAA[G>C]CAAATAAACTGCATAAGTCATTTATTTATTTCCAACCTAGATTTTGGAAGCAGTTTTCAA-3'

ClinVar aggregate classification (germline): Benign/Likely benign. Review status: criteria provided, multiple submitters, no conflicts (2 of 4 stars). 2 submissions from 2 submitters: Benign (1); Likely benign (1). Last evaluated 2026-10-01.

Allele frequency attached by ClinVar (database versions not stated): gnomAD exomes 0.00081; ExAC 0.00105; gnomAD 0.00323 and 0.00348; ESP Exome Variant Server 0.00353; TOPMed 0.00391; 1000 Genomes Project 0.00419; 1000 Genomes Project 30x 0.00468.
gnomAD v4.1: 965 of 1,608,062 alleles (0.06%); highest among the groups gnomAD compares: African/African-American, 1.1%; 6 homozygotes.

Submissions (2):

CeGaT Center for Human Genetics Tuebingen
Classification: Likely benign. Last evaluated: 2026-10-01. Review status: criteria provided, single submitter. Criteria: CeGaT Center For Human Genetics Tuebingen Variant Classification Criteria Version 2. Collection method: clinical testing. Allele origin: germline. Affected: yes. Observed: 3 variant alleles.
Comment: MED13: BP4, BS1

Labcorp Genetics (formerly Invitae), Labcorp
Classification: Benign. Last evaluated: 2018-06-01. Review status: criteria provided, single submitter. Criteria: Invitae Variant Classification Sherloc (09022015). Collection method: clinical testing. Allele origin: germline.